The following is an entry in ClinVar:

ClinVar aggregate classification (germline): Pathogenic (1 of 4 stars; one submission).

Conditions:
Inborn genetic diseases. Identifiers: MedGen C0950123, MeSH D030342.

Submission:

Ambry Genetics
Classification: Pathogenic for Inborn genetic diseases. Last evaluated: 2026-04-20. Review status: criteria provided, single submitter. Criteria: Ambry Variant Classification Scheme 2023. Collection method: clinical testing. Allele origin: germline.
Comment: The c.1463dupG (p.Q489Sfs*13) alteration, located in exon 7 (coding exon 4) of the ZMYM2 gene, consists of a duplication of G at position 1463, causing a translational frameshift with a predicted alternate stop codon after 13 amino acids. This variant is expected to result in loss of function by premature protein truncation or nonsense-mediated mRNA decay. This variant was not reported in population-based cohorts in the Genome Aggregation Database (gnomAD). Based on the available evidence, this alteration is classified as pathogenic.

NM_197968.4(ZMYM2):c.1463dup (p.Gln489fs)

Gene: ZMYM2 (zinc finger MYM-type containing 2; plus strand). Cytogenetic location: 13q12.11.
Variant type: Duplication.
Coding change: c.1463dup on transcript NM_197968.4 (MANE Select); coding-DNA position 1463, one base duplicated (G; older notation c.1463dupG).
Protein change: p.Gln489fs; shifts the reading frame from glutamine 489.
Molecular consequence: frameshift variant. On other transcripts: non-coding transcript variant (1).
Genome position (GRCh38, 1-based): chr13:20,006,537, G duplicated; the last of 2 consecutive G bases (chr13:20,006,536-20,006,537); duplicating either gives the same sequence. VCF-style (leftmost placement, unchanged base first): chr13-20006535-T-TG. GRCh37 (hg19) VCF-style: chr13-20580675-T-TG.
Other names: c.1463dup, p.Gln489fs (NM_001190964.4, NM_001190965.4, NM_001353157.2 and 5 more transcripts); c.1268dup, p.Gln424fs (NM_001353161.3); c.1202dup, p.Gln402fs (NM_001353163.2); short protein forms Q402fs, Q424fs, Q489fs.
Identifiers: ClinVar variation 4866909 (VCV004866909.1).